The following is an entry in ClinVar:

ClinVar aggregate classification (germline): Pathogenic (1 of 4 stars; one submission).

Conditions:
Cardiovascular phenotype. Identifiers: MedGen CN230736.
Hereditary cancer-predisposing syndrome. Also called: Neoplastic Syndromes, Hereditary; Tumor predisposition; Hereditary Cancer Syndrome; Hereditary neoplastic syndrome. Identifiers: Orphanet 140162, MedGen C0027672, MeSH D009386, MONDO:0015356.

Submission:

Ambry Genetics
Classification: Pathogenic for Cardiovascular phenotype; Hereditary cancer-predisposing syndrome. Last evaluated: 2026-04-21. Review status: criteria provided, single submitter. Criteria: Ambry Variant Classification Scheme 2023. Collection method: clinical testing. Allele origin: germline.
Comment: The c.2270_2273dupAGGC pathogenic mutation, located in coding exon 19 of the LZTR1 gene, results from a duplication of AGGC at nucleotide position 2270, causing a translational frameshift with a predicted alternate stop codon (p.Y759Gfs*24). This alteration is expected to result in loss of function by premature protein truncation or nonsense-mediated mRNA decay. This variant is considered to be rare based on population cohorts in the Genome Aggregation Database (gnomAD). Loss-of-function variants in LZTR1 are related to an increased risk for schwannomas and autosomal recessive Noonan syndrome; however, such associations with autosomal dominant Noonan syndrome have not been observed (Piotrowski A et al. Nat Genet. 2014 Feb;46:182-7; Yamamoto GL et al. J Med Genet. 2015 Jun;52:413-21; Johnston JJ et al. Genet Med. 2018 10;20:1175-1185). Based on the supporting evidence, this variant is pathogenic for an increased risk of LZTR1-related schwannomatosis (SWN) and would be expected to cause autosomal recessive Noonan syndrome when present along with a second pathogenic or likely pathogenic variant on the other allele; however, the association of this variant with autosomal dominant Noonan syndrome is unlikely.

NM_006767.4(LZTR1):c.2270_2273dup (p.Tyr759fs)

Gene: LZTR1 (leucine zipper like post translational regulator 1; plus strand). Cytogenetic location: 22q11.21.
Variant type: Duplication.
Coding change: c.2270_2273dup on transcript NM_006767.4 (MANE Select); coding-DNA positions 2270 to 2273, 4 bases duplicated (AGGC; older notation c.2270_2273dupAGGC).
Protein change: p.Tyr759fs; shifts the reading frame from tyrosine 759.
Molecular consequence: frameshift variant.
Genome position (GRCh38, 1-based): chr22:20,996,746-20,996,749, AGGC duplicated; duplicating any 4 consecutive bases within chr22:20,996,744-20,996,749 gives the same sequence; the c. name uses the placement nearest the transcript's 3' end. VCF-style (leftmost placement, unchanged base first): chr22-20996743-T-TGCAG. GRCh37 (hg19) VCF-style: chr22-21351032-T-TGCAG.
Other names: short protein forms Y759fs.
Identifiers: ClinVar variation 4859383 (VCV004859383.1).